The following is an entry in ClinVar:

ClinVar aggregate classification (germline): Uncertain significance (1 of 4 stars; one submission).

gnomAD v4.1: 1 of 1,614,064 alleles (0.000062%); no homozygotes.

Submission:

Ambry Genetics
Classification: Uncertain significance. Last evaluated: 2024-04-05. Review status: criteria provided, single submitter. Criteria: Ambry Variant Classification Scheme 2023. Collection method: clinical testing. Allele origin: germline.
Comment: The p.L399V variant (also known as c.1195T>G), located in coding exon 13 of the NPAT gene, results from a T to G substitution at nucleotide position 1195. The leucine at codon 399 is replaced by valine, an amino acid with highly similar properties. This amino acid position is conserved. In addition, this alteration is predicted to be tolerated by in silico analysis. Since supporting evidence is limited at this time, the clinical significance of this alteration remains unclear.

NM_002519.3(NPAT):c.1195T>G (p.Leu399Val)

Gene: NPAT (nuclear protein, coactivator of histone transcription; minus strand). Cytogenetic location: 11q22.3.
Variant type: single nucleotide variant.
Coding change: c.1195T>G on transcript NM_002519.3 (MANE Select); coding-DNA position 1195, T replaced by G.
Protein change: p.Leu399Val; replaces leucine 399 with valine.
Molecular consequence: missense variant.
Genome position (GRCh38, 1-based): chr11:108,173,789, A>C on the plus strand (T>G on the coding strand, the complement: NPAT is on the minus strand). VCF-style: chr11-108173789-A-C. GRCh37 (hg19) VCF-style: chr11-108044516-A-C.
Other names: c.1195T>G, p.Leu399Val (NM_001321307.1); short protein forms L399V.
Identifiers: ClinVar variation 1745950 (VCV001745950.3), dbSNP rs1051521, ClinGen allele CA228385295.